The following is an entry in ClinVar:

NM_001161352.2(KCNMA1):c.2593C>T (p.Arg865Cys)

Genes: KCNMA1 (potassium calcium-activated channel subfamily M alpha 1; minus strand), KCNMA1-AS1 (KCNMA1 antisense RNA 1; plus strand). Cytogenetic location: 10q22.3.
Variant type: single nucleotide variant.
Coding change: c.2593C>T on transcript NM_001161352.2 (MANE Select); coding-DNA position 2593, C replaced by T.
Protein change: p.Arg865Cys; replaces arginine 865 with cysteine.
Molecular consequence: missense variant.
Genome position (GRCh38, 1-based): chr10:76,949,258, G>A on the plus strand (C>T on the coding strand, the complement: KCNMA1 is on the minus strand). VCF-style: chr10-76949258-G-A. GRCh37 (hg19) VCF-style: chr10-78709016-G-A.
Other names: c.2431C>T, p.Arg811Cys (NM_001014797.3, NM_001322835.2, NM_001322837.2); c.2542C>T, p.Arg848Cys (NM_001161353.2); c.2269C>T, p.Arg757Cys (NM_001271518.2); c.2428C>T, p.Arg810Cys (NM_001271519.2, NM_001322829.2, NM_001322836.2); c.2440C>T, p.Arg814Cys (NM_001322830.2); c.2419C>T, p.Arg807Cys (NM_001322832.2, NM_002247.4); c.1966C>T, p.Arg656Cys (NM_001322838.2); short protein forms R656C, R814C, R848C, R865C, R807C, R810C, R757C, R811C.
Identifiers: ClinVar variation 806525 (VCV000806525.52), dbSNP rs1591664697, ClinGen allele CA377406323.

ClinVar aggregate classification (germline): Conflicting classifications of pathogenicity. Review status: criteria provided, conflicting classifications (1 of 4 stars). 3 submissions from 3 submitters: Likely pathogenic (1); Uncertain significance (2). Last evaluated 2024-10-10.

Conditions:
Generalized epilepsy-paroxysmal dyskinesia syndrome (PNKD3). Also called: Paroxysmal nonkinesigenic dyskinesia, 3, with or without generalized epilepsy; Generalized epilepsy and paroxysmal dyskinesia. Identifiers: Orphanet 79137, MedGen C5574945, MONDO:0012276, OMIM 609446.

Allele frequency attached by ClinVar (database versions not stated): gnomAD exomes below 0.00001.
gnomAD v4.1: 4 of 1,614,082 alleles (0.00025%); highest among the groups gnomAD compares: Admixed American, 0.0017%; no homozygotes.

Submissions (3):

GeneDx
Classification: Uncertain significance. Last evaluated: 2024-10-10. Review status: criteria provided, single submitter. Criteria: GeneDx Variant Classification Process June 2021. Collection method: clinical testing. Allele origin: germline. Affected: yes.
Comment: Not observed at significant frequency in large population cohorts (gnomAD); In silico analysis supports that this missense variant has a deleterious effect on protein structure/function; Has not been previously published as pathogenic or benign to our knowledge

Labcorp Genetics (formerly Invitae), Labcorp
Classification: Uncertain significance for Generalized epilepsy-paroxysmal dyskinesia syndrome. Last evaluated: 2022-03-23. Review status: criteria provided, single submitter. Criteria: Invitae Variant Classification Sherloc (09022015). Collection method: clinical testing. Allele origin: germline.
Comment: In summary, the available evidence is currently insufficient to determine the role of this variant in disease. Therefore, it has been classified as a Variant of Uncertain Significance. Algorithms developed to predict the effect of missense changes on protein structure and function (SIFT, PolyPhen-2, Align-GVGD) all suggest that this variant is likely to be disruptive. ClinVar contains an entry for this variant (Variation ID: 806525). This variant has not been reported in the literature in individuals affected with KCNMA1-related conditions. This variant is not present in population databases (gnomAD no frequency). This sequence change replaces arginine, which is basic and polar, with cysteine, which is neutral and slightly polar, at codon 807 of the KCNMA1 protein (p.Arg807Cys).

CeGaT Center for Human Genetics Tuebingen
Classification: Likely pathogenic. Last evaluated: 2018-11-01. Review status: criteria provided, single submitter. Criteria: CeGaT Center For Human Genetics Tuebingen Variant Classification Criteria Version 2. Collection method: clinical testing. Allele origin: germline. Affected: yes. Observed: 1 variant allele.